The following is an entry in ClinVar:

NM_001367561.1(DOCK7):c.2431+1G>A

Gene: DOCK7 (dedicator of cytokinesis 7; minus strand). Cytogenetic location: 1p31.3.
Variant type: single nucleotide variant.
Coding change: c.2431+1G>A on transcript NM_001367561.1 (MANE Select); the canonical splice donor site of the intron after coding-DNA position 2431, G replaced by A.
Molecular consequence: splice donor variant.
Genome position (GRCh38, 1-based): chr1:62,558,988, C>T on the plus strand (G>A on the coding strand, the complement: DOCK7 is on the minus strand). VCF-style: chr1-62558988-C-T. GRCh37 (hg19) VCF-style: chr1-63024659-C-T.
Other names: c.2431+1G>A (NM_001272001.2, NM_001272000.2, NM_033407.4 and 2 more transcripts).
Identifiers: ClinVar variation 2815698 (VCV002815698.3), dbSNP rs2525132048, ClinGen allele CA340625610.

ClinVar aggregate classification (germline): Likely pathogenic (1 of 4 stars; one submission).

Conditions:
Developmental and epileptic encephalopathy, 23 (DEE23). Also called: Epileptic encephalopathy, early infantile, 23. Identifiers: Orphanet 411986, MedGen C4014492, MONDO:0014371, OMIM 615859.

Submission:

Labcorp Genetics (formerly Invitae), Labcorp
Classification: Likely pathogenic for Developmental and epileptic encephalopathy, 23. Last evaluated: 2022-11-23. Review status: criteria provided, single submitter. Criteria: Invitae Variant Classification Sherloc (09022015). Collection method: clinical testing. Allele origin: germline.
Comment: This variant is not present in population databases (gnomAD no frequency). In summary, the currently available evidence indicates that the variant is pathogenic, but additional data are needed to prove that conclusively. Therefore, this variant has been classified as Likely Pathogenic. Algorithms developed to predict the effect of sequence changes on RNA splicing suggest that this variant may disrupt the consensus splice site. This variant has not been reported in the literature in individuals affected with DOCK7-related conditions. This sequence change affects a donor splice site in intron 20 of the DOCK7 gene. It is expected to disrupt RNA splicing. Variants that disrupt the donor or acceptor splice site typically lead to a loss of protein function (PMID: 16199547), and loss-of-function variants in DOCK7 are known to be pathogenic (PMID: 24814191).

Literature cited by the submitters: PubMed 16199547; PubMed 24814191.